The following is an entry in ClinVar:

NM_003000.3(SDHB):c.448T>C (p.Tyr150His)

Gene: SDHB (succinate dehydrogenase complex iron sulfur subunit B; minus strand). Cytogenetic location: 1p36.13.
Variant type: single nucleotide variant.
Coding change: c.448T>C on transcript NM_003000.3 (MANE Select); coding-DNA position 448, T replaced by C.
Protein change: p.Tyr150His; replaces tyrosine 150 with histidine.
Molecular consequence: missense variant.
Genome position (GRCh38, 1-based): chr1:17,027,841, A>G on the plus strand (T>C on the coding strand, the complement: SDHB is on the minus strand). VCF-style: chr1-17027841-A-G. GRCh37 (hg19) VCF-style: chr1-17354336-A-G.
Other names: short protein forms Y150H.
Identifiers: ClinVar variation 1493058 (VCV001493058.6), dbSNP rs2101521819, ClinGen allele CA338273265.

ClinVar aggregate classification (germline): Uncertain significance (1 of 4 stars; one submission).

Conditions:
Gastrointestinal stromal tumor. Also called: Gastrointestinal stroma tumor; Gastrointestinal stromal tumor, somatic. Identifiers: Orphanet 44890, MedGen C0238198, MeSH D046152, MONDO:0011719, OMIM 606764, HP:0100723.
Pheochromocytoma/paraganglioma syndrome 4. Also called: CAROTID BODY TUMORS AND MULTIPLE EXTRAADRENAL PHEOCHROMOCYTOMAS; SDHB-Related Hereditary Paraganglioma-Pheochromocytoma Syndrome; PARAGANGLIOMA, FAMILIAL MALIGNANT; PARAGANGLIOMAS, HEREDITARY EXTRAADRENAL; PHEOCHROMOCYTOMA, FAMILIAL EXTRAADRENAL; Paragangliomas 4. Identifiers: Orphanet 29072, MedGen C1861848, MONDO:0007273, OMIM 115310.
Pheochromocytoma. Also called: MAX-Related Hereditary Paraganglioma-Pheochromocytoma Syndrome. Identifiers: Orphanet 29072, MedGen C0031511, MONDO:0008233, OMIM 171300, HP:0002666.

Submission:

Labcorp Genetics (formerly Invitae), Labcorp
Classification: Uncertain significance for Gastrointestinal stromal tumor; Pheochromocytoma/paraganglioma syndrome 4; Pheochromocytoma. Last evaluated: 2021-09-26. Review status: criteria provided, single submitter. Criteria: Invitae Variant Classification Sherloc (09022015). Collection method: clinical testing. Allele origin: germline.
Comment: In summary, the available evidence is currently insufficient to determine the role of this variant in disease. Therefore, it has been classified as a Variant of Uncertain Significance. Advanced modeling of protein sequence and biophysical properties (such as structural, functional, and spatial information, amino acid conservation, physicochemical variation, residue mobility, and thermodynamic stability) performed at Invitae indicates that this missense variant is expected to disrupt SDHB protein function. This variant has not been reported in the literature in individuals affected with SDHB-related conditions. This variant is not present in population databases (ExAC no frequency). This sequence change replaces tyrosine with histidine at codon 150 of the SDHB protein (p.Tyr150His). The tyrosine residue is highly conserved and there is a moderate physicochemical difference between tyrosine and histidine.